The following is an entry in ClinVar:

NM_015175.3(NBEAL2):c.7616T>C (p.Val2539Ala)

Gene: NBEAL2 (neurobeachin like 2; plus strand). Cytogenetic location: 3p21.31.
Variant type: single nucleotide variant.
Coding change: c.7616T>C on transcript NM_015175.3 (MANE Select); coding-DNA position 7616, T replaced by C.
Protein change: p.Val2539Ala; replaces valine 2539 with alanine.
Molecular consequence: missense variant.
Genome position (GRCh38, 1-based): chr3:47,008,083, T>C. VCF-style: chr3-47008083-T-C. GRCh37 (hg19) VCF-style: chr3-47049573-T-C.
Other names: c.7514T>C, p.Val2505Ala (NM_001365116.2); short protein forms V2539A, V2505A.
Identifiers: ClinVar variation 2380216 (VCV002380216.4), dbSNP rs752159961, ClinGen allele CA2362220.

ClinVar aggregate classification (germline): Uncertain significance. Review status: criteria provided, single submitter (1 of 4 stars). 2 submissions from 2 submitters: Uncertain significance (1). 1 of the submissions does not count toward it. Last evaluated 2025-05-21.

Conditions:
Inborn genetic diseases. Identifiers: MedGen C0950123, MeSH D030342.
NBEAL2-related disorder. Also called: NBEAL2-related condition.

Allele frequency attached by ClinVar (database versions not stated): gnomAD 0.00003; TOPMed 0.00003; ExAC 0.00002; gnomAD exomes 0.00002.
gnomAD v4.1: 36 of 1,613,830 alleles (0.0022%); highest among the groups gnomAD compares: Middle Eastern, 0.066%; no homozygotes.

Submissions (2):

Ambry Genetics
Classification: Uncertain significance for Inborn genetic diseases. Last evaluated: 2025-05-21. Review status: criteria provided, single submitter. Criteria: Ambry Variant Classification Scheme 2023. Collection method: clinical testing. Allele origin: germline.

PreventionGenetics, part of Exact Sciences
Classification: Uncertain significance for NBEAL2-related condition. Last evaluated: 2024-09-26. Review status: no assertion criteria provided. Collection method: clinical testing. Allele origin: germline. Not counted in ClinVar's aggregate classification.
Comment: The NBEAL2 c.7616T>C variant is predicted to result in the amino acid substitution p.Val2539Ala. To our knowledge, this variant has not been reported in the literature. This variant is reported in 0.012% of alleles in individuals of African descent in gnomAD. At this time, the clinical significance of this variant is uncertain due to the absence of conclusive functional and genetic evidence.